The following is an entry in ClinVar:

ClinVar aggregate classification (germline): Uncertain significance. Review status: criteria provided, multiple submitters, no conflicts (2 of 4 stars). 3 submissions from 3 submitters: Uncertain significance (3). Last evaluated 2025-08-23.

Conditions:
Inborn genetic diseases. Identifiers: MedGen C0950123, MeSH D030342.
Atrial conduction disease. Identifiers: Orphanet 436242, MedGen CN221670, MONDO:0014500.

Allele frequency attached by ClinVar (database versions not stated): gnomAD exomes below 0.00001.
gnomAD v4.1: 1 of 1,606,420 alleles (0.000062%); highest among the groups gnomAD compares: African/African-American, 0.0013%; no homozygotes.

Submissions (3):

Ambry Genetics
Classification: Uncertain significance for Inborn genetic diseases. Last evaluated: 2025-08-23. Review status: criteria provided, single submitter. Criteria: Ambry Variant Classification Scheme 2023. Collection method: clinical testing. Allele origin: germline.

Genome-Nilou Lab
Classification: Uncertain significance for Cardiac conduction disease with or without dilated cardiomyopathy 1. Last evaluated: 2023-04-11. Review status: criteria provided, single submitter. Criteria: ACMG Guidelines, 2015. Collection method: clinical testing. Allele origin: germline. Affected: no.

Labcorp Genetics (formerly Invitae), Labcorp
Classification: Uncertain significance. Last evaluated: 2021-12-21. Review status: criteria provided, single submitter. Criteria: Invitae Variant Classification Sherloc (09022015). Collection method: clinical testing. Allele origin: germline.
Comment: In summary, the available evidence is currently insufficient to determine the role of this variant in disease. Therefore, it has been classified as a Variant of Uncertain Significance. Algorithms developed to predict the effect of missense changes on protein structure and function (SIFT, PolyPhen-2, Align-GVGD) all suggest that this variant is likely to be disruptive. This variant has not been reported in the literature in individuals affected with TNNI3K-related conditions. This variant is not present in population databases (gnomAD no frequency). This sequence change replaces proline, which is neutral and non-polar, with serine, which is neutral and polar, at codon 583 of the TNNI3K protein (p.Pro583Ser).

NM_015978.3(TNNI3K):c.1747C>T (p.Pro583Ser)

Genes: FPGT-TNNI3K (FPGT-TNNI3K readthrough; plus strand), TNNI3K (TNNI3 interacting kinase; plus strand). Cytogenetic location: 1p31.1.
Variant type: single nucleotide variant.
Coding change: c.1747C>T on transcript NM_015978.3 (MANE Select); coding-DNA position 1747, C replaced by T.
Protein change: p.Pro583Ser; replaces proline 583 with serine.
Molecular consequence: missense variant.
Genome position (GRCh38, 1-based): chr1:74,370,367, C>T. VCF-style: chr1-74370367-C-T. GRCh37 (hg19) VCF-style: chr1-74836051-C-T.
Other names: c.2050C>T, p.Pro684Ser (NM_001112808.3, NM_001199327.2); short protein forms P583S, P684S.
Identifiers: ClinVar variation 2051163 (VCV002051163.8), dbSNP rs2524475888, ClinGen allele CA340786647.
Genomic context (GRCh38, chr1:74,370,367, plus strand): 5'-AAATTAATTATTGCAGTAGATGTTGCCAAAGGCATGGAGTACCTTCACAACCTGACACAG[C>T]CAATTATACATCGTGACTTGAACAGGTATTTTTTTCCTAAATAATGAACTCAGAAGGGTA-3'
Protein context (NP_057062.1, residues 573-593): GMEYLHNLTQ[Pro583Ser]IIHRDLNSHN